The following is an entry in ClinVar:

NM_182961.4(SYNE1):c.16470T>C (p.Asn5490=)

Gene: SYNE1 (spectrin repeat containing nuclear envelope protein 1; minus strand). Cytogenetic location: 6q25.2.
Variant type: single nucleotide variant.
Coding change: c.16470T>C on transcript NM_182961.4 (MANE Select); coding-DNA position 16470, T replaced by C.
Protein change: p.Asn5490=; no amino-acid change (asparagine 5490 retained).
Molecular consequence: synonymous variant.
Genome position (GRCh38, 1-based): chr6:152,318,183, A>G on the plus strand (T>C on the coding strand, the complement: SYNE1 is on the minus strand). VCF-style: chr6-152318183-A-G. GRCh37 (hg19) VCF-style: chr6-152639318-A-G.
Other names: c.16257T>C, p.Asn5419= (NM_033071.5).
Identifiers: ClinVar variation 2657015 (VCV002657015.24), dbSNP rs370439893, ClinGen allele CA4055505.

ClinVar aggregate classification (germline): Likely benign (1 of 4 stars; one submission).

Allele frequency attached by ClinVar (database versions not stated): TOPMed below 0.00001; gnomAD 0.00001; gnomAD exomes 0.00001; ExAC 0.00002; ESP Exome Variant Server 0.00008.
gnomAD v4.1: 18 of 1,614,040 alleles (0.0011%); highest among the groups gnomAD compares: Non-Finnish European, 0.0015%; no homozygotes.

Submission:

CeGaT Center for Human Genetics Tuebingen
Classification: Likely benign. Last evaluated: 2022-12-01. Review status: criteria provided, single submitter. Criteria: CeGaT Center For Human Genetics Tuebingen Variant Classification Criteria Version 2. Collection method: clinical testing. Allele origin: germline. Affected: yes. Observed: 1 variant allele.
Comment: SYNE1: BP4, BP7